The following is an entry in ClinVar:

ClinVar aggregate classification (germline): Conflicting classifications of pathogenicity. Review status: criteria provided, conflicting classifications (1 of 4 stars). 2 submissions from 2 submitters: Pathogenic (1); Uncertain significance (1). Last evaluated 2025-08-21.

Conditions:
Congenital contractural arachnodactyly (CCA). Also called: Beals-Hecht syndrome; BEALS SYNDROME; Arthrogryposis, distal, type 9. Identifiers: Orphanet 115, MedGen C0220668, MONDO:0007363, OMIM 121050.

Allele frequency attached by ClinVar (database versions not stated): gnomAD exomes below 0.00001; TOPMed 0.00001.
gnomAD v4.1: 3 of 1,613,930 alleles (0.00019%); highest among the groups gnomAD compares: East Asian, 0.0022%; no homozygotes.

Submissions (2):

Labcorp Genetics (formerly Invitae), Labcorp
Classification: Pathogenic for Congenital contractural arachnodactyly. Last evaluated: 2025-08-21. Review status: criteria provided, single submitter. Criteria: Invitae Variant Classification Sherloc (09022015). Collection method: clinical testing. Allele origin: germline.
Comment: This sequence change replaces glutamic acid, which is acidic and polar, with lysine, which is basic and polar, at codon 1118 of the FBN2 protein (p.Glu1118Lys). This variant is present in population databases (no rsID available, gnomAD 0.006%). This missense change has been observed in individual(s) with congenital contractural arachnodactyly (PMID: 40709559; internal data). In at least one individual the variant was observed to be de novo. It has also been observed to segregate with disease in related individuals. ClinVar contains an entry for this variant (Variation ID: 458757). Invitae Evidence Modeling of protein sequence and biophysical properties (such as structural, functional, and spatial information, amino acid conservation, physicochemical variation, residue mobility, and thermodynamic stability) indicates that this missense variant is not expected to disrupt FBN2 protein function with a negative predictive value of 80%. This variant disrupts the p.Glu1118 amino acid residue in FBN2. Other variant(s) that disrupt this residue have been observed in individuals with FBN2-related conditions (PMID: 35360850), which suggests that this may be a clinically significant amino acid residue. For these reasons, this variant has been classified as Pathogenic.

GeneDx
Classification: Uncertain significance. Last evaluated: 2022-12-30. Review status: criteria provided, single submitter. Criteria: GeneDx Variant Classification Process June 2021. Collection method: clinical testing. Allele origin: germline. Affected: yes.
Comment: Not observed at significant frequency in large population cohorts (gnomAD); In silico analysis supports that this missense variant has a deleterious effect on protein structure/function; Although located in a calcium-binding EGF-like domain of the FBN2 gene, it does not substitute or introduce a cysteine residue (Callewaert et al., 2009; Frederic et al., 2009); Has not been previously published as pathogenic or benign to our knowledge; This variant is associated with the following publications: (PMID: 31506931, 19006240, 18767143)

Literature cited by the submitters: PubMed 40709559 (cited by Labcorp Genetics (formerly Invitae), Labcorp); PubMed 35360850 (cited by Labcorp Genetics (formerly Invitae), Labcorp).

NM_001999.4(FBN2):c.3352G>A (p.Glu1118Lys)

Gene: FBN2 (fibrillin 2; minus strand). Cytogenetic location: 5q23.3.
Variant type: single nucleotide variant.
Coding change: c.3352G>A on transcript NM_001999.4 (MANE Select); coding-DNA position 3352, G replaced by A.
Protein change: p.Glu1118Lys; replaces glutamic acid 1118 with lysine.
Molecular consequence: missense variant.
Genome position (GRCh38, 1-based): chr5:128,339,053, C>T on the plus strand (G>A on the coding strand, the complement: FBN2 is on the minus strand). VCF-style: chr5-128339053-C-T. GRCh37 (hg19) VCF-style: chr5-127674745-C-T.
Other names: short protein forms E1118K.
Identifiers: ClinVar variation 458757 (VCV000458757.13), dbSNP rs1348701377, ClinGen allele CA360760082.